The following is an entry in ClinVar:

NM_001122752.2(SERPINI1):c.843C>G (p.Asn281Lys)

Gene: SERPINI1 (serpin family I member 1; plus strand). Cytogenetic location: 3q26.1.
Variant type: single nucleotide variant.
Coding change: c.843C>G on transcript NM_001122752.2 (MANE Select); coding-DNA position 843, C replaced by G.
Protein change: p.Asn281Lys; replaces asparagine 281 with lysine.
Molecular consequence: missense variant.
Genome position (GRCh38, 1-based): chr3:167,794,786, C>G. VCF-style: chr3-167794786-C-G. GRCh37 (hg19) VCF-style: chr3-167512574-C-G.
Other names: c.843C>G, p.Asn281Lys (NM_005025.5); short protein forms N281K.
Identifiers: ClinVar variation 466622 (VCV000466622.8), dbSNP rs1553774967, ClinGen allele CA355157259.

ClinVar aggregate classification (germline): Uncertain significance (1 of 4 stars; one submission).

Conditions:
Familial encephalopathy with neuroserpin inclusion bodies. Also called: ENCEPHALOPATHY, FAMILIAL, WITH COLLINS BODIES. Identifiers: Orphanet 85110, MedGen C1858680, MONDO:0011412, OMIM 604218.

Submission:

Labcorp Genetics (formerly Invitae), Labcorp
Classification: Uncertain significance for Familial encephalopathy with neuroserpin inclusion bodies. Last evaluated: 2017-05-14. Review status: criteria provided, single submitter. Criteria: Invitae Variant Classification Sherloc (09022015). Collection method: clinical testing. Allele origin: germline.
Comment: In summary, this variant is a novel missense change with uncertain impact on protein function. It has been classified as a Variant of Uncertain Significance. Algorithms developed to predict the effect of missense changes on protein structure and function do not agree on the potential impact of this missense change (SIFT: "Deleterious"; PolyPhen-2: "Benign"; Align-GVGD: "Class C65"). This variant is not present in population databases (ExAC no frequency) and has not been reported in the literature in individuals with a SERPINI1-related disease. This sequence change replaces asparagine with lysine at codon 281 of the SERPINI1 protein (p.Asn281Lys). The asparagine residue is highly conserved and there is a moderate physicochemical difference between asparagine and lysine.